The following is an entry in ClinVar:

ClinVar aggregate classification (germline): Uncertain significance (1 of 4 stars; one submission).

Conditions:
Hereditary cancer-predisposing syndrome. Also called: Neoplastic Syndromes, Hereditary; Hereditary Cancer Syndrome; Tumor predisposition; Hereditary neoplastic syndrome. Identifiers: Orphanet 140162, MedGen C0027672, MeSH D009386, MONDO:0015356.

Submission:

Ambry Genetics
Classification: Uncertain significance for Hereditary cancer-predisposing syndrome. Last evaluated: 2025-02-07. Review status: criteria provided, single submitter. Criteria: Ambry Variant Classification Scheme 2023. Collection method: clinical testing. Allele origin: germline.
Comment: The p.I1227L variant (also known as c.3679A>C), located in coding exon 24 of the RAD50 gene, results from an A to C substitution at nucleotide position 3679. The isoleucine at codon 1227 is replaced by leucine, an amino acid with highly similar properties. This amino acid position is conserved. In addition, the in silico prediction for this alteration is inconclusive. Based on the available evidence, the clinical significance of this variant remains unclear.

NM_005732.4(RAD50):c.3679A>C (p.Ile1227Leu)

Genes: RAD50 (RAD50 double strand break repair protein; plus strand), TH2LCRR (T helper type 2 locus control region associated RNA; minus strand), TH2-LCR (Th2 cytokine locus control region; plus strand). Cytogenetic location: 5q31.1.
Variant type: single nucleotide variant.
Coding change: c.3679A>C on transcript NM_005732.4 (MANE Select); coding-DNA position 3679, A replaced by C.
Protein change: p.Ile1227Leu; replaces isoleucine 1227 with leucine.
Molecular consequence: missense variant.
Genome position (GRCh38, 1-based): chr5:132,640,732, A>C. VCF-style: chr5-132640732-A-C. GRCh37 (hg19) VCF-style: chr5-131976424-A-C.
Other names: short protein forms I1227L.
Identifiers: ClinVar variation 3786312 (VCV003786312.1).